The following is an entry in ClinVar:

NM_001042492.3(NF1):c.7321+13A>G

Gene: NF1 (neurofibromin 1; plus strand). Cytogenetic location: 17q11.2.
Variant type: single nucleotide variant.
Coding change: c.7321+13A>G on transcript NM_001042492.3 (MANE Select); 13 bases into the intron after coding-DNA position 7321, A replaced by G.
Molecular consequence: intron variant.
Genome position (GRCh38, 1-based): chr17:31,349,264, A>G. VCF-style: chr17-31349264-A-G. GRCh37 (hg19) VCF-style: chr17-29676282-A-G.
Other names: c.7258+13A>G (NM_000267.4).
Identifiers: ClinVar variation 389033 (VCV000389033.1), dbSNP rs1057523308, ClinGen allele CA16607605.
Genomic context (GRCh38, chr17:31,349,264, plus strand): 5'-ATTGTGACAAATTTGAAGTGAATACACAGAGCGTGGCCTACTTAGCAGGTAAAAACACAA[A>G]ATAAACAAAATTAATCTTGCTACATCTATATATAAGGATCACCCAAAAAGTACAAATACC-3'

ClinVar aggregate classification (germline): Likely benign (1 of 4 stars; one submission).

Allele frequency attached by ClinVar (database versions not stated): gnomAD exomes below 0.00001.
gnomAD v4.1: 1 of 1,610,178 alleles (0.000062%); highest among the groups gnomAD compares: Non-Finnish European, 0.000085%; no homozygotes.

Submission:

GeneDx
Classification: Likely benign. Last evaluated: 2016-08-31. Review status: criteria provided, single submitter. Criteria: GeneDx Variant Classification (06012015). Collection method: clinical testing. Allele origin: germline. Affected: yes.
Comment: This variant is considered likely benign or benign based on one or more of the following criteria: it is a conservative change, it occurs at a poorly conserved position in the protein, it is predicted to be benign by multiple in silico algorithms, and/or has population frequency not consistent with disease.